The following is an entry in ClinVar:

ClinVar aggregate classification (germline): Likely pathogenic (1 of 4 stars; one submission).

Conditions:
Cardiovascular phenotype. Identifiers: MedGen CN230736.

Submission:

Ambry Genetics
Classification: Likely pathogenic for Cardiovascular phenotype. Last evaluated: 2026-06-08. Review status: criteria provided, single submitter. Criteria: Ambry Variant Classification Scheme 2023. Collection method: clinical testing. Allele origin: germline.
Comment: The c.29446delC variant, located in coding exon 117 of the TTN gene, results from a deletion of one nucleotide at nucleotide position 29446, causing a translational frameshift with a predicted alternate stop codon (p.L9816Sfs*16). This exon is located in the A-band region of the N2-B isoform of the titin protein and is constitutively expressed in TTN transcripts (percent spliced in or PSI 100%). This alteration is expected to result in loss of function by premature protein truncation or nonsense-mediated mRNA decay. While truncating variants in TTN are present in 1-3% of the general population, truncating variants in the A-band are the most common cause of dilated cardiomyopathy (DCM) (Herman DS et al. N. Engl. J. Med., 2012 Feb;366:619-28; Roberts AM et al. Sci Transl Med, 2015 Jan;7:270ra6). TTN truncating variants encoded in constitutive exons (PSI >90%) have been found to be significantly associated with DCM regardless of their position in titin (Schafer S et al. Nat. Genet., 2017 01;49:46-53). This variant is considered to be rare based on population cohorts in the Genome Aggregation Database (gnomAD). Based on the majority of available evidence to date, this variant is likely to be pathogenic.

NM_001267550.2(TTN):c.56641del (p.Leu18881fs)

Genes: TTN (titin; minus strand), TTN-AS1 (TTN antisense RNA 1; plus strand). Cytogenetic location: 2q31.2.
Variant type: Deletion.
Coding change: c.56641del on transcript NM_001267550.2 (MANE Select); coding-DNA position 56641, one base deleted (C; older notation c.56641delC).
Protein change: p.Leu18881fs; shifts the reading frame from leucine 18881.
Molecular consequence: frameshift variant.
Genome position (GRCh38, 1-based): chr2:178,599,152, G deleted on the plus strand (C on the coding strand, the reverse complement: TTN is on the minus strand); the first of 2 consecutive G bases (chr2:178,599,152-178,599,153); deleting either gives the same sequence. VCF-style (leftmost placement, unchanged base first): chr2-178599151-AG-A. GRCh37 (hg19) VCF-style: chr2-179463878-AG-A.
Other names: c.51718del, p.Leu17240fs (NM_001256850.1); c.29446del, p.Leu9816fs (NM_003319.4); c.48937del, p.Leu16313fs (NM_133378.4); c.29821del, p.Leu9941fs (NM_133432.3); c.30022del, p.Leu10008fs (NM_133437.4); c.29446delC (NM_003319.4); short protein forms L18881fs, L16313fs, L9941fs, L10008fs, L17240fs, L9816fs.
Identifiers: ClinVar variation 1797948 (VCV001797948.3), dbSNP rs2469881916, ClinGen allele CA2580064856.